The following is an entry in ClinVar:

ClinVar aggregate classification (germline): Uncertain significance. Review status: criteria provided, multiple submitters, no conflicts (2 of 4 stars). 3 submissions from 2 submitters: Uncertain significance (3). Last evaluated 2024-07-02.

Conditions:
Charcot-Marie-Tooth disease axonal type 2O. Also called: Charcot-Marie-Tooth disease, axonal, type 20; CHARCOT-MARIE-TOOTH NEUROPATHY, AXONAL, TYPE 2O; CHARCOT-MARIE-TOOTH DISEASE, AXONAL, AUTOSOMAL DOMINANT, TYPE 2O; Charcot-Marie-Tooth Neuropathy Type 2O. Identifiers: Orphanet 284232, MedGen C3280220, MONDO:0013644, OMIM 614228.
Autosomal dominant cerebellar ataxia. Also called: Spinocerebellar Ataxia, Dominant. Identifiers: Orphanet 99, MedGen C4087347, MONDO:0020380.

Allele frequency attached by ClinVar (database versions not stated): gnomAD exomes below 0.00001.
gnomAD v4.1: 1 of 1,614,074 alleles (0.000062%); highest among the groups gnomAD compares: Non-Finnish European, 0.000085%; no homozygotes.

Submissions (3):

Labcorp Genetics (formerly Invitae), Labcorp
Classification: Uncertain significance for Charcot-Marie-Tooth disease axonal type 2O. Last evaluated: 2024-07-02. Review status: criteria provided, single submitter. Criteria: Invitae Variant Classification Sherloc (09022015). Collection method: clinical testing. Allele origin: germline.
Comment: This sequence change affects codon 2936 of the DYNC1H1 mRNA. It is a 'silent' change, meaning that it does not change the encoded amino acid sequence of the DYNC1H1 protein. This variant is not present in population databases (gnomAD no frequency). This variant has not been reported in the literature in individuals affected with DYNC1H1-related conditions. ClinVar contains an entry for this variant (Variation ID: 312643). Algorithms developed to predict the effect of sequence changes on RNA splicing suggest that this variant may disrupt the consensus splice site. In summary, the available evidence is currently insufficient to determine the role of this variant in disease. Therefore, it has been classified as a Variant of Uncertain Significance.

Illumina Laboratory Services, Illumina
Classification: Uncertain significance for Charcot-Marie-Tooth disease axonal type 2O. Last evaluated: 2018-01-13. Review status: criteria provided, single submitter. Criteria: ICSL Variant Classification Criteria 13 December 2019. Collection method: clinical testing. Allele origin: germline.

Illumina Laboratory Services, Illumina
Classification: Uncertain significance for Spinocerebellar Ataxia, Dominant. Last evaluated: 2018-01-13. Review status: criteria provided, single submitter. Criteria: ICSL Variant Classification Criteria 13 December 2019. Collection method: clinical testing. Allele origin: germline.

NM_001376.5(DYNC1H1):c.8808T>A (p.Ile2936=)

Gene: DYNC1H1 (dynein cytoplasmic 1 heavy chain 1; plus strand). Cytogenetic location: 14q32.31.
Variant type: single nucleotide variant.
Coding change: c.8808T>A on transcript NM_001376.5 (MANE Select); coding-DNA position 8808, T replaced by A.
Protein change: p.Ile2936=; no amino-acid change (isoleucine 2936 retained).
Molecular consequence: synonymous variant.
Genome position (GRCh38, 1-based): chr14:102,027,210, T>A. VCF-style: chr14-102027210-T-A. GRCh37 (hg19) VCF-style: chr14-102493547-T-A.
Identifiers: ClinVar variation 312643 (VCV000312643.8), dbSNP rs886050370, ClinGen allele CA10643810.
Genomic context (GRCh38, chr14:102,027,210, plus strand): 5'-TGATCAGTTCTCGTAATGTTTCAGAATATTCCGTCAACCTCAAGGCCACTTGCTTCTGAT[T>A]GGTGTTAGTGGAGCAGGAAAAACTACCCTGTCTCGTTTCGTCGCCTGGATGAACGGTTTG-3'
Protein context (NP_001367.2, residues 2926-2946): FRQPQGHLLL[Ile2936=]GVSGAGKTTL